The following is an entry in ClinVar:

NM_001080453.3(INTS1):c.3792C>G (p.Phe1264Leu)

Gene: INTS1 (integrator complex subunit 1; minus strand). Cytogenetic location: 7p22.3.
Variant type: single nucleotide variant.
Coding change: c.3792C>G on transcript NM_001080453.3 (MANE Select); coding-DNA position 3792, C replaced by G.
Protein change: p.Phe1264Leu; replaces phenylalanine 1264 with leucine.
Molecular consequence: missense variant.
Genome position (GRCh38, 1-based): chr7:1,481,400, G>C on the plus strand (C>G on the coding strand, the complement: INTS1 is on the minus strand). VCF-style: chr7-1481400-G-C. GRCh37 (hg19) VCF-style: chr7-1521036-G-C.
Other names: short protein forms F1264L.
Identifiers: ClinVar variation 4084711 (VCV004084711.8).
Genomic context (GRCh38, chr7:1,481,400, plus strand): 5'-ACTCTTGTCCATGATGTTCTGCTCCAGAGTCTGGGGGTCGTGGGCCACTGCCTGGTCCAG[G>C]AACTGGAGGAGTTTGCTCATGCTGGACACGGGGATGCCAAACGACTGCACGAACAGCAGC-3'
Protein context (NP_001073922.2, residues 1254-1274): PVSSMSKLLQ[Phe1264Leu]LDQAVAHDPQ

ClinVar aggregate classification (germline): Uncertain significance (1 of 4 stars; one submission).

Submission:

CeGaT Center for Human Genetics Tuebingen
Classification: Uncertain significance. Last evaluated: 2025-06-01. Review status: criteria provided, single submitter. Criteria: CeGaT Center For Human Genetics Tuebingen Variant Classification Criteria Version 2. Collection method: clinical testing. Allele origin: germline. Affected: yes. Observed: 1 variant allele.
Comment: INTS1: PM2